The following is an entry in ClinVar:

NM_205836.3(FBXO38):c.1061A>T (p.His354Leu)

Gene: FBXO38 (F-box protein 38; plus strand). Cytogenetic location: 5q32.
Variant type: single nucleotide variant.
Coding change: c.1061A>T on transcript NM_205836.3 (MANE Select); coding-DNA position 1061, A replaced by T.
Protein change: p.His354Leu; replaces histidine 354 with leucine.
Molecular consequence: missense variant.
Genome position (GRCh38, 1-based): chr5:148,410,733, A>T. VCF-style: chr5-148410733-A-T. GRCh37 (hg19) VCF-style: chr5-147790296-A-T.
Other names: p.His354Leu; c.1061A>T, p.His354Leu (NM_001271723.2, NM_030793.5); short protein forms H354L.
Identifiers: ClinVar variation 3379606 (VCV003379606.1).

ClinVar aggregate classification (germline): Uncertain significance (1 of 4 stars; one submission).

Submission:

Mayo Clinic Laboratories, Mayo Clinic
Classification: Uncertain significance. Last evaluated: 2023-12-07. Review status: criteria provided, single submitter. Criteria: ACMG Guidelines, 2015. Collection method: clinical testing. Allele origin: germline. Observed: 1 variant allele.
Comment: PM2_moderate